The following is an entry in ClinVar:

NM_006269.2(RP1):c.2923A>G (p.Ile975Val)

Gene: RP1 (RP1 axonemal microtubule associated; plus strand). Cytogenetic location: 8q12.1.
Variant type: single nucleotide variant.
Coding change: c.2923A>G on transcript NM_006269.2 (MANE Select); coding-DNA position 2923, A replaced by G.
Protein change: p.Ile975Val; replaces isoleucine 975 with valine.
Molecular consequence: missense variant. On other transcripts: intron variant (1).
Genome position (GRCh38, 1-based): chr8:54,626,805, A>G. VCF-style: chr8-54626805-A-G. GRCh37 (hg19) VCF-style: chr8-55539365-A-G.
Other names: c.787+4517A>G (NM_001375654.1); short protein forms I975V.
Identifiers: ClinVar variation 1054310 (VCV001054310.9), dbSNP rs202016292, ClinGen allele CA4751608.

ClinVar aggregate classification (germline): Conflicting classifications of pathogenicity. Review status: criteria provided, conflicting classifications (1 of 4 stars). 3 submissions from 3 submitters: Uncertain significance (1); Likely benign (2). Last evaluated 2024-01-19.

Conditions:
Retinal dystrophy. Also called: Inherited retinal dystrophy. Identifiers: Orphanet 71862, MedGen C0854723, MeSH D058499, MONDO:0019118, HP:0000556.

Allele frequency attached by ClinVar (database versions not stated): gnomAD exomes 0.00004 and 0.00006; gnomAD 0.00005 and 0.00009; TOPMed 0.00006; ExAC 0.00007; 1000 Genomes Project 30x 0.00031; 1000 Genomes Project 0.00040.
gnomAD v4.1: 70 of 1,613,844 alleles (0.0043%); highest among the groups gnomAD compares: East Asian, 0.12%; no homozygotes.

Submissions (3):

Labcorp Genetics (formerly Invitae), Labcorp
Classification: Uncertain significance. Last evaluated: 2024-01-19. Review status: criteria provided, single submitter. Criteria: Invitae Variant Classification Sherloc (09022015). Collection method: clinical testing. Allele origin: germline.
Comment: This sequence change replaces isoleucine, which is neutral and non-polar, with valine, which is neutral and non-polar, at codon 975 of the RP1 protein (p.Ile975Val). This variant is present in population databases (rs202016292, gnomAD 0.07%). This variant has not been reported in the literature in individuals affected with RP1-related conditions. ClinVar contains an entry for this variant (Variation ID: 1054310). Algorithms developed to predict the effect of missense changes on protein structure and function output the following: SIFT: "Not Available"; PolyPhen-2: "Benign"; Align-GVGD: "Not Available". The valine amino acid residue is found in multiple mammalian species, which suggests that this missense change does not adversely affect protein function. In summary, the available evidence is currently insufficient to determine the role of this variant in disease. Therefore, it has been classified as a Variant of Uncertain Significance.

Dept Of Ophthalmology, Nagoya University
Classification: Likely benign for Retinal dystrophy. Last evaluated: 2023-10-01. Review status: criteria provided, single submitter. Criteria: Submitter's publication. Collection method: research. Allele origin: germline. Affected: yes.

Blueprint Genetics
Classification: Likely benign. Last evaluated: 2023-08-11. Review status: criteria provided, single submitter. Criteria: ACMG Guidelines, 2015. Collection method: clinical testing. Allele origin: germline.